The following is an entry in ClinVar:

NM_001377.3(DYNC2H1):c.719A>G (p.His240Arg)

Gene: DYNC2H1 (dynein cytoplasmic 2 heavy chain 1; plus strand). Cytogenetic location: 11q22.3.
Variant type: single nucleotide variant.
Coding change: c.719A>G on transcript NM_001377.3 (MANE Select); coding-DNA position 719, A replaced by G.
Protein change: p.His240Arg; replaces histidine 240 with arginine.
Molecular consequence: missense variant.
Genome position (GRCh38, 1-based): chr11:103,116,667, A>G. VCF-style: chr11-103116667-A-G. GRCh37 (hg19) VCF-style: chr11-102987396-A-G.
Other names: c.719A>G, p.His240Arg (NM_001080463.2); short protein forms H240R.
Identifiers: ClinVar variation 1495706 (VCV001495706.6), dbSNP rs749778723, ClinGen allele CA6252572.
Genomic context (GRCh38, chr11:103,116,667, plus strand): 5'-TTGTTGACTTGGTGGAGACTACTCAGGATGTTGTAGATGATGTGTGGAGACAAACAGAAC[A>G]TGATCATTATCCTGAGTCACGAATGTTGCATCTCTTAGACATCATAGGTACTAGTAAAAA-3'
Protein context (NP_001368.2, residues 230-250): VVDDVWRQTE[His240Arg]DHYPESRMLH

ClinVar aggregate classification (germline): Uncertain significance. Review status: criteria provided, multiple submitters, no conflicts (2 of 4 stars). 2 submissions from 2 submitters: Uncertain significance (2). Last evaluated 2023-07-10.

Conditions:
Jeune thoracic dystrophy. Also called: Jeune syndrome; Short-rib thoracic dysplasia; Infantile thoracic dystrophy; Thoracic pelvic phalangeal dystrophy; Jeune's syndrome; Chondroectodermal dysplasia-like syndrome. Identifiers: Orphanet 474, MedGen C0265275, MONDO:0018770.

Allele frequency attached by ClinVar (database versions not stated): gnomAD exomes below 0.00001; ExAC 0.00001.
gnomAD v4.1: 6 of 1,608,732 alleles (0.00037%); highest among the groups gnomAD compares: African/African-American, 0.0013%; no homozygotes.

Submissions (2):

Labcorp Genetics (formerly Invitae), Labcorp
Classification: Uncertain significance for Jeune thoracic dystrophy. Last evaluated: 2023-07-10. Review status: criteria provided, single submitter. Criteria: Invitae Variant Classification Sherloc (09022015). Collection method: clinical testing. Allele origin: germline.
Comment: This sequence change replaces histidine, which is basic and polar, with arginine, which is basic and polar, at codon 240 of the DYNC2H1 protein (p.His240Arg). This variant is present in population databases (rs749778723, gnomAD 0.0009%). This variant has not been reported in the literature in individuals affected with DYNC2H1-related conditions. ClinVar contains an entry for this variant (Variation ID: 1495706). Advanced modeling of protein sequence and biophysical properties (such as structural, functional, and spatial information, amino acid conservation, physicochemical variation, residue mobility, and thermodynamic stability) performed at Invitae indicates that this missense variant is not expected to disrupt DYNC2H1 protein function. In summary, the available evidence is currently insufficient to determine the role of this variant in disease. Therefore, it has been classified as a Variant of Uncertain Significance.

Greenwood Genetic Center Diagnostic Laboratories, Greenwood Genetic Center
Classification: Uncertain significance. Last evaluated: 2023-03-21. Review status: criteria provided, single submitter. Criteria: ACMG Guidelines, 2015. Collection method: clinical testing. Allele origin: germline. Affected: yes.
Comment: PM2